The following is an entry in ClinVar:

ClinVar aggregate classification (germline): Uncertain significance. Review status: criteria provided, multiple submitters, no conflicts (2 of 4 stars). 4 submissions from 4 submitters: Uncertain significance (4). Last evaluated 2025-03-31.

Allele frequency attached by ClinVar (database versions not stated): ExAC 0.00001; gnomAD exomes 0.00001.

Submissions (4):

Labcorp Genetics (formerly Invitae), Labcorp
Classification: Uncertain significance. Last evaluated: 2025-03-31. Review status: criteria provided, single submitter. Criteria: Invitae Variant Classification Sherloc (09022015). Collection method: clinical testing. Allele origin: germline.
Comment: This sequence change replaces leucine, which is neutral and non-polar, with phenylalanine, which is neutral and non-polar, at codon 582 of the POLE protein (p.Leu582Phe). This variant is present in population databases (rs761273376, gnomAD 0.006%). This variant has not been reported in the literature in individuals affected with POLE-related conditions. ClinVar contains an entry for this variant (Variation ID: 517271). Invitae Evidence Modeling of protein sequence and biophysical properties (such as structural, functional, and spatial information, amino acid conservation, physicochemical variation, residue mobility, and thermodynamic stability) indicates that this missense variant is not expected to disrupt POLE protein function with a negative predictive value of 80%. In summary, the available evidence is currently insufficient to determine the role of this variant in disease. Therefore, it has been classified as a Variant of Uncertain Significance.

GeneDx
Classification: Uncertain significance. Last evaluated: 2023-10-04. Review status: criteria provided, single submitter. Criteria: GeneDx Variant Classification Process June 2021. Collection method: clinical testing. Allele origin: germline. Affected: yes.
Comment: Not observed at significant frequency in large population cohorts (gnomAD); In silico analysis supports that this missense variant does not alter protein structure/function; Has not been previously published as pathogenic or benign to our knowledge; This variant is associated with the following publications: (PMID: 20951805)

Quest Diagnostics Nichols Institute San Juan Capistrano
Classification: Uncertain significance. Last evaluated: 2018-01-13. Review status: criteria provided, single submitter. Criteria: Quest Diagnostics criteria. Collection method: clinical testing. Allele origin: germline.

Laboratory for Molecular Medicine, Mass General Brigham Personalized Medicine
Classification: Uncertain significance. Last evaluated: 2017-03-20. Review status: criteria provided, single submitter. Criteria: LMM Criteria. Collection method: clinical testing. Allele origin: germline. Observed: 1 variant allele.
Comment: The p.Leu582Phe variant in POLE has not been previously reported in individuals with colorectal cancer, but has been identified in 1/16512 South Asian chromosom es by the Exome Aggregation Consortium (ExAC; db SNP rs761273376). Computational prediction tools and conservation analysis do no t provide strong support for or against an impact to the protein. In summary, th e clinical significance of the p.Leu582Phe variant is uncertain.

NM_006231.4(POLE):c.1744C>T (p.Leu582Phe)

Gene: POLE (DNA polymerase epsilon, catalytic subunit; minus strand). Cytogenetic location: 12q24.33.
Variant type: single nucleotide variant.
Coding change: c.1744C>T on transcript NM_006231.4 (MANE Select); coding-DNA position 1744, C replaced by T.
Protein change: p.Leu582Phe; replaces leucine 582 with phenylalanine.
Molecular consequence: missense variant.
Genome position (GRCh38, 1-based): chr12:132,672,265, G>A on the plus strand (C>T on the coding strand, the complement: POLE is on the minus strand). VCF-style: chr12-132672265-G-A. GRCh37 (hg19) VCF-style: chr12-133248851-G-A.
Other names: short protein forms L582F.
Identifiers: ClinVar variation 517271 (VCV000517271.15), dbSNP rs761273376, ClinGen allele CA6893840.
Genomic context (GRCh38, chr12:132,672,265, plus strand): 5'-TGATGGTTACCTCTTCAAAGTTGGTGACTTGCTCCACAGGCACTTTCTCCTCTTCCTCAA[G>A]GGCGTGGCGCAAGGTCTTCTCAACCCGCTGCAGCAGGAAGTCAAAGGCGGCAGGATTCTA-3'
Protein context (NP_006222.2, residues 572-592): QRVEKTLRHA[Leu582Phe]EEEEKVPVEQ